The following is an entry in ClinVar:

ClinVar aggregate classification (germline): Pathogenic. Review status: criteria provided, single submitter (1 of 4 stars). 3 submissions from 3 submitters: Pathogenic (1). 2 of the submissions do not count toward it. Last evaluated 2021-01-26.

Conditions:
Neurofibromatosis, type 2 (SWNV). Also called: NF2-Related Schwannomatosis; BILATERAL ACOUSTIC NEUROFIBROMATOSIS; SCHWANNOMATOSIS, VESTIBULAR. Identifiers: Orphanet 637, MedGen C0027832, MONDO:0007039, OMIM 101000. Disease mechanism: loss of function.

Submissions (3):

Labcorp Genetics (formerly Invitae), Labcorp
Classification: Pathogenic for Neurofibromatosis, type 2. Last evaluated: 2021-01-26. Review status: criteria provided, single submitter. Criteria: Invitae Variant Classification Sherloc (09022015). Collection method: clinical testing. Allele origin: germline.
Comment: For these reasons, this variant has been classified as Pathogenic. This sequence change affects a donor splice site in intron 11 of the NF2 gene. It is expected to disrupt RNA splicing. Variants that disrupt the donor or acceptor splice site typically lead to a loss of protein function (PMID: 16199547), and loss-of-function variants in NF2 are known to be pathogenic (PMID: 9643284, 16983642). This variant is not present in population databases (ExAC no frequency). Disruption of this splice site has been observed in individual(s) with neurofibromatosis type 2 (PMID: 8755919, Invitae). Algorithms developed to predict the effect of sequence changes on RNA splicing suggest that this variant may disrupt the consensus splice site, but this prediction has not been confirmed by published transcriptional studies.

Clinical Genetics DNA and cytogenetics Diagnostics Lab, Erasmus MC, Erasmus Medical Center
Classification: Pathogenic. Review status: no assertion criteria provided. Collection method: clinical testing. Allele origin: germline. Affected: yes. Study: VKGL Data-share Consensus. Not counted in ClinVar's aggregate classification.

Joint Genome Diagnostic Labs from Nijmegen and Maastricht, Radboudumc and MUMC+
Classification: Pathogenic. Review status: no assertion criteria provided. Collection method: clinical testing. Allele origin: germline. Affected: yes. Study: VKGL Data-share Consensus. Not counted in ClinVar's aggregate classification.

Literature cited by the submitters: PubMed 16199547 (cited by Labcorp Genetics (formerly Invitae), Labcorp); PubMed 9643284 (cited by Labcorp Genetics (formerly Invitae), Labcorp); PubMed 16983642 (cited by Labcorp Genetics (formerly Invitae), Labcorp); PubMed 8755919 (cited by Labcorp Genetics (formerly Invitae), Labcorp).

NM_000268.4(NF2):c.1122+1G>A

Gene: NF2 (NF2, moesin-ezrin-radixin like (MERLIN) tumor suppressor; plus strand). Cytogenetic location: 22q12.2.
Variant type: single nucleotide variant.
Coding change: c.1122+1G>A on transcript NM_000268.4 (MANE Select); the canonical splice donor site of the intron after coding-DNA position 1122, G replaced by A.
Molecular consequence: splice donor variant. On other transcripts: intron variant (1).
Genome position (GRCh38, 1-based): chr22:29,671,949, G>A. VCF-style: chr22-29671949-G-A. GRCh37 (hg19) VCF-style: chr22-30067938-G-A.
Other names: c.1122+1G>A (NM_016418.5, NM_181832.3, NM_001407060.1 and 2 more transcripts); c.1008+1G>A (NM_001407056.1, NM_001407053.1); c.891+1G>A (NM_001407067.1); c.588+1G>A (NM_001407065.1); c.987+1G>A (NM_001407059.1, NM_001407057.1); c.448-22803G>A (NM_181833.3); c.999+1G>A (NM_001407058.1, NM_181829.3, NM_001407054.1); c.864+1G>A (NM_001407062.1); and 2 more.
Identifiers: ClinVar variation 567477 (VCV000567477.12), dbSNP rs1569304774, ClinGen allele CA411147241.
Genomic context (GRCh38, chr22:29,671,949, plus strand): 5'-GAGTTGGAGAGGAGGCTGCTGCAGATGAAAGAAGAAGCAACAATGGCCAACGAAGCACTG[G>A]TGATTTCTGAGGGGCTGGGGTTCCAGGAGGCTACTTGGGGACTTCCTTGGCTTTTCTGGA-3'